The following is an entry in ClinVar:

NM_001330360.2(POLA1):c.86G>A (p.Arg29Gln)

Gene: POLA1 (DNA polymerase alpha 1, catalytic subunit; plus strand). Cytogenetic location: Xp22.11.
Variant type: single nucleotide variant.
Coding change: c.86G>A on transcript NM_001330360.2 (MANE Select); coding-DNA position 86, G replaced by A.
Protein change: p.Arg29Gln; replaces arginine 29 with glutamine.
Molecular consequence: missense variant. On other transcripts: non-coding transcript variant (2).
Genome position (GRCh38, 1-based): chrX:24,699,467, G>A. VCF-style: chrX-24699467-G-A. GRCh37 (hg19) VCF-style: chrX-24717584-G-A.
Other names: c.86G>A, p.Arg29Gln (NM_001378303.1, NM_001440806.1); c.68G>A, p.Arg23Gln (NM_016937.4); short protein forms R23Q, R29Q.
Identifiers: ClinVar variation 4762871 (VCV004762871.1).

ClinVar aggregate classification (germline): Uncertain significance (1 of 4 stars; one submission).

Submission:

Labcorp Genetics (formerly Invitae), Labcorp
Classification: Uncertain significance. Last evaluated: 2025-11-23. Review status: criteria provided, single submitter. Criteria: Invitae Variant Classification Sherloc (09022015). Collection method: clinical testing. Allele origin: germline.
Comment: This sequence change replaces arginine, which is basic and polar, with glutamine, which is neutral and polar, at codon 23 of the POLA1 protein (p.Arg23Gln). This variant is not present in population databases (gnomAD no frequency). This variant has not been reported in the literature in individuals affected with POLA1-related conditions. An algorithm developed to predict the effect of missense changes on protein structure and function (PolyPhen-2) suggests that this variant is likely to be disruptive. In summary, the available evidence is currently insufficient to determine the role of this variant in disease. Therefore, it has been classified as a Variant of Uncertain Significance.